The following is an entry in ClinVar:

ClinVar aggregate classification (germline): Uncertain significance (0 of 4 stars; one submission).

Conditions:
PHIP-related disorder. Also called: PHIP-related condition; PHIP-related disorders.

gnomAD v4.1: 2 of 1,611,918 alleles (0.00012%); highest among the groups gnomAD compares: Admixed American, 0.0017%; no homozygotes.

Submission:

PreventionGenetics, part of Exact Sciences
Classification: Uncertain significance for PHIP-related condition. Last evaluated: 2024-02-22. Review status: no assertion criteria provided. Collection method: clinical testing. Allele origin: germline.
Comment: The PHIP c.879C>T variant is not predicted to result in an amino acid change (p.=). This variant is predicted to slightly weaken the canonical splice donor site at the end of exon 9 (SpliceAI, Jaganathan et al. 2019. PubMed ID: 30661751). To our knowledge, this variant has not been reported in the literature. This variant is reported in 0.0029% of alleles in individuals of Latino descent in gnomAD. At this time, the clinical significance of this variant is uncertain due to the absence of conclusive functional and genetic evidence.

NM_017934.7(PHIP):c.879C>T (p.Gly293=)

Gene: PHIP (PHIP subunit of CUL4-Ring ligase complex; minus strand). Cytogenetic location: 6q14.1.
Variant type: single nucleotide variant.
Coding change: c.879C>T on transcript NM_017934.7 (MANE Select); coding-DNA position 879, C replaced by T.
Protein change: p.Gly293=; no amino-acid change (glycine 293 retained).
Molecular consequence: synonymous variant.
Genome position (GRCh38, 1-based): chr6:79,025,563, G>A on the plus strand (C>T on the coding strand, the complement: PHIP is on the minus strand). VCF-style: chr6-79025563-G-A. GRCh37 (hg19) VCF-style: chr6-79735280-G-A.
Identifiers: ClinVar variation 3348898 (VCV003348898.1).